The following is an entry in ClinVar:

ClinVar aggregate classification (germline): Uncertain significance (1 of 4 stars; one submission).

Allele frequency attached by ClinVar (database versions not stated): gnomAD exomes below 0.00001; ExAC 0.00001.
gnomAD v4.1: 4 of 1,614,072 alleles (0.00025%); highest among the groups gnomAD compares: Middle Eastern, 0.017%; no homozygotes.

Submission:

Labcorp Genetics (formerly Invitae), Labcorp
Classification: Uncertain significance. Last evaluated: 2024-02-20. Review status: criteria provided, single submitter. Criteria: Invitae Variant Classification Sherloc (09022015). Collection method: clinical testing. Allele origin: germline.
Comment: This sequence change replaces arginine, which is basic and polar, with glutamine, which is neutral and polar, at codon 703 of the PRPF6 protein (p.Arg703Gln). This variant is present in population databases (rs761921786, gnomAD 0.007%). This variant has not been reported in the literature in individuals affected with PRPF6-related conditions. ClinVar contains an entry for this variant (Variation ID: 2118925). Advanced modeling of protein sequence and biophysical properties (such as structural, functional, and spatial information, amino acid conservation, physicochemical variation, residue mobility, and thermodynamic stability) performed at Invitae indicates that this missense variant is not expected to disrupt PRPF6 protein function with a negative predictive value of 80%. In summary, the available evidence is currently insufficient to determine the role of this variant in disease. Therefore, it has been classified as a Variant of Uncertain Significance.

NM_012469.4(PRPF6):c.2108G>A (p.Arg703Gln)

Gene: PRPF6 (pre-mRNA processing factor 6; plus strand). Cytogenetic location: 20q13.33.
Variant type: single nucleotide variant.
Coding change: c.2108G>A on transcript NM_012469.4 (MANE Select); coding-DNA position 2108, G replaced by A.
Protein change: p.Arg703Gln; replaces arginine 703 with glutamine.
Molecular consequence: missense variant.
Genome position (GRCh38, 1-based): chr20:64,027,061, G>A. VCF-style: chr20-64027061-G-A. GRCh37 (hg19) VCF-style: chr20-62658414-G-A.
Other names: short protein forms R703Q.
Identifiers: ClinVar variation 2118925 (VCV002118925.4), dbSNP rs761921786, ClinGen allele CA9972373.
Genomic context (GRCh38, chr20:64,027,061, plus strand): 5'-AGCTGGAGTGGGTGCAAGACAACATCAGGGCAGCCCAAGATCTGTGCGAGGAGGCCCTGC[G>A]GCACTATGAGGACTTCCCCAAGCTGTGGATGATGAAGGGGCAGATCGAGGAGCAGAAGGA-3'
Protein context (NP_036601.2, residues 693-713): AAQDLCEEAL[Arg703Gln]HYEDFPKLWM